The following is an entry in ClinVar:

ClinVar aggregate classification (germline): Uncertain significance. Review status: criteria provided, multiple submitters, no conflicts (2 of 4 stars). 3 submissions from 3 submitters: Uncertain significance (3). Last evaluated 2025-11-11.

Conditions:
Atrial conduction disease. Identifiers: Orphanet 436242, MedGen CN221670, MONDO:0014500.

gnomAD v4.1: 1 of 1,613,218 alleles (0.000062%); highest among the groups gnomAD compares: Non-Finnish European, 0.000085%; no homozygotes.

Submissions (3):

Ambry Genetics
Classification: Uncertain significance. Last evaluated: 2025-11-11. Review status: criteria provided, single submitter. Criteria: Ambry Variant Classification Scheme 2023. Collection method: clinical testing. Allele origin: germline.

Genome-Nilou Lab
Classification: Uncertain significance for Cardiac conduction disease with or without dilated cardiomyopathy 1. Last evaluated: 2023-04-11. Review status: criteria provided, single submitter. Criteria: ACMG Guidelines, 2015. Collection method: clinical testing. Allele origin: germline. Affected: no.

Labcorp Genetics (formerly Invitae), Labcorp
Classification: Uncertain significance. Last evaluated: 2022-05-26. Review status: criteria provided, single submitter. Criteria: Invitae Variant Classification Sherloc (09022015). Collection method: clinical testing. Allele origin: germline.
Comment: In summary, the available evidence is currently insufficient to determine the role of this variant in disease. Therefore, it has been classified as a Variant of Uncertain Significance. Algorithms developed to predict the effect of sequence changes on RNA splicing suggest that this variant may create or strengthen a splice site. Algorithms developed to predict the effect of missense changes on protein structure and function output the following: SIFT: "Deleterious"; PolyPhen-2: "Benign"; Align-GVGD: "Class C55". The alanine amino acid residue is found in multiple mammalian species, which suggests that this missense change does not adversely affect protein function. This variant has not been reported in the literature in individuals affected with TNNI3K-related conditions. This variant is present in population databases (rs144507273, gnomAD 0.0009%). This sequence change replaces glycine, which is neutral and non-polar, with alanine, which is neutral and non-polar, at codon 753 of the TNNI3K protein (p.Gly753Ala).

NM_015978.3(TNNI3K):c.2258G>C (p.Gly753Ala)

Genes: FPGT-TNNI3K (FPGT-TNNI3K readthrough; plus strand), LRRC53 (leucine rich repeat containing 53; minus strand), TNNI3K (TNNI3 interacting kinase; plus strand). Cytogenetic location: 1p31.1.
Variant type: single nucleotide variant.
Coding change: c.2258G>C on transcript NM_015978.3 (MANE Select); coding-DNA position 2258, G replaced by C.
Protein change: p.Gly753Ala; replaces glycine 753 with alanine.
Molecular consequence: missense variant. On other transcripts: intron variant (2).
Genome position (GRCh38, 1-based): chr1:74,492,173, G>C. VCF-style: chr1-74492173-G-C. GRCh37 (hg19) VCF-style: chr1-74957857-G-C.
Other names: c.2561G>C, p.Gly854Ala (NM_001112808.3); c.-8-11205C>G (NM_001364666.2); c.-26-8798C>G (NM_001382280.1); short protein forms G854A, G753A.
Identifiers: ClinVar variation 2118028 (VCV002118028.7), dbSNP rs144507273, ClinGen allele CA909834.
Genomic context (GRCh38, chr1:74,492,173, plus strand): 5'-CAAGTAACAGCAGTGGGTCTCTCTCACCTTCTTCTTCTTCTGATTGCCTGGTGAACCGGG[G>C]AGGACCTGGCCGGAGTCATGTGGCAGCATTAAGAAGTCGTTTCGAATTGGAATATGCTCT-3'
Protein context (NP_057062.1, residues 743-763): SSSSDCLVNR[Gly753Ala]GPGRSHVAAL